The following is an entry in ClinVar:

NM_001349206.2(LPIN1):c.2037C>T (p.Gly679=)

Gene: LPIN1 (lipin 1; plus strand). Cytogenetic location: 2p25.1.
Variant type: single nucleotide variant.
Coding change: c.2037C>T on transcript NM_001349206.2 (MANE Select); coding-DNA position 2037, C replaced by T.
Protein change: p.Gly679=; no amino-acid change (glycine 679 retained).
Molecular consequence: synonymous variant. On other transcripts: non-coding transcript variant (1).
Genome position (GRCh38, 1-based): chr2:11,804,446, C>T. VCF-style: chr2-11804446-C-T. GRCh37 (hg19) VCF-style: chr2-11944572-C-T.
Other names: c.1947C>T, p.Gly649= (NM_001261427.3); c.2184C>T, p.Gly728= (NM_001261428.3); c.1929C>T, p.Gly643= (NM_001349199.2, NM_145693.4); c.2007C>T, p.Gly669= (NM_001349200.2, NM_001349201.2); c.2034C>T, p.Gly678= (NM_001349202.2, NM_001349203.2); c.2037C>T, p.Gly679= (NM_001349204.2, NM_001349205.2); c.2127C>T, p.Gly709= (NM_001349207.2); c.2076C>T, p.Gly692= (NM_001349208.2).
Identifiers: ClinVar variation 2672799 (VCV002672799.23), dbSNP rs1232344079, ClinGen allele CA424855423.
Genomic context (GRCh38, chr2:11,804,446, plus strand): 5'-CTCAAGCAGACAAATACTAATGGTTCATGTTTTTCAGAAAAGCTTGAAGTTGAAGAATGG[C>T]CCCAACGACGTGGTTTTCAGTGTCACCACGCAGTACCAAGGCACGTGCCGCTGTGAGGGC-3'
Protein context (NP_001336135.1, residues 669-689): EQLKSLKLKN[Gly679=]PNDVVFSVTT

ClinVar aggregate classification (germline): Likely benign (1 of 4 stars; one submission).

Submission:

CeGaT Center for Human Genetics Tuebingen
Classification: Likely benign. Last evaluated: 2023-11-01. Review status: criteria provided, single submitter. Criteria: CeGaT Center For Human Genetics Tuebingen Variant Classification Criteria Version 2. Collection method: clinical testing. Allele origin: germline. Affected: yes. Observed: 1 variant allele.
Comment: LPIN1: PM2:Supporting, BP4, BP7